The following is an entry in ClinVar:

NM_001040167.2(LFNG):c.559C>T (p.Arg187Cys)

Gene: LFNG (LFNG O-fucosylpeptide 3-beta-N-acetylglucosaminyltransferase; plus strand). Cytogenetic location: 7p22.3.
Variant type: single nucleotide variant.
Coding change: c.559C>T on transcript NM_001040167.2 (MANE Select); coding-DNA position 559, C replaced by T.
Protein change: p.Arg187Cys; replaces arginine 187 with cysteine.
Molecular consequence: missense variant.
Genome position (GRCh38, 1-based): chr7:2,525,296, C>T. VCF-style: chr7-2525296-C-T. GRCh37 (hg19) VCF-style: chr7-2564930-C-T.
Other names: c.559C>T, p.Arg187Cys (NM_001040168.2); c.346C>T, p.Arg116Cys (NM_001166355.2); c.172C>T, p.Arg58Cys (NM_002304.3); short protein forms R116C, R187C, R58C.
Identifiers: ClinVar variation 1064285 (VCV001064285.10), dbSNP rs764283232, ClinGen allele CA4127001.

ClinVar aggregate classification (germline): Uncertain significance. Review status: criteria provided, multiple submitters, no conflicts (2 of 4 stars). 3 submissions from 3 submitters: Uncertain significance (3). Last evaluated 2023-01-20.

Conditions:
Inborn genetic diseases. Identifiers: MedGen C0950123, MeSH D030342.
Spondylocostal dysostosis 3, autosomal recessive (SCDO3). Also called: LFNG-Related Spondylocostal Dysostosis, Autosomal Recessive. Identifiers: Orphanet 2311, MedGen C1853296, MONDO:0012349, OMIM 609813.

Allele frequency attached by ClinVar (database versions not stated): ExAC 0.00006; gnomAD exomes 0.00006; gnomAD 0.00007 and 0.00008.
gnomAD v4.1: 46 of 1,612,876 alleles (0.0029%); highest among the groups gnomAD compares: African/African-American, 0.019%; no homozygotes.

Submissions (3):

Ambry Genetics
Classification: Uncertain significance for Inborn genetic diseases. Last evaluated: 2023-01-20. Review status: criteria provided, single submitter. Criteria: Ambry Variant Classification Scheme 2023. Collection method: clinical testing. Allele origin: germline.

GeneDx
Classification: Uncertain significance. Last evaluated: 2021-01-08. Review status: criteria provided, single submitter. Criteria: GeneDx Variant Classification Process June 2021. Collection method: clinical testing. Allele origin: germline. Affected: yes.
Comment: In silico analysis, which includes protein predictors and evolutionary conservation, supports a deleterious effect; Has not been previously published as pathogenic or benign to our knowledge

Labcorp Genetics (formerly Invitae), Labcorp
Classification: Uncertain significance for Spondylocostal dysostosis 3, autosomal recessive. Last evaluated: 2020-08-29. Review status: criteria provided, single submitter. Criteria: Invitae Variant Classification Sherloc (09022015). Collection method: clinical testing. Allele origin: germline.
Comment: In summary, the available evidence is currently insufficient to determine the role of this variant in disease. Therefore, it has been classified as a Variant of Uncertain Significance. Algorithms developed to predict the effect of missense changes on protein structure and function are either unavailable or do not agree on the potential impact of this missense change (SIFT: "Deleterious"; PolyPhen-2: "Possibly Damaging"; Align-GVGD: "Class C0"). This variant has not been reported in the literature in individuals with LFNG-related conditions. This variant is present in population databases (rs764283232, ExAC 0.02%). This sequence change replaces arginine with cysteine at codon 187 of the LFNG protein (p.Arg187Cys). The arginine residue is weakly conserved and there is a large physicochemical difference between arginine and cysteine.